The following is an entry in ClinVar:

ClinVar aggregate classification (germline): Conflicting classifications of pathogenicity. Review status: criteria provided, conflicting classifications (1 of 4 stars). 4 submissions from 4 submitters: Uncertain significance (2); Likely benign (2). Last evaluated 2025-11-17.

Conditions:
FLCN-related disorder. Also called: FLCN-related condition.

Allele frequency attached by ClinVar (database versions not stated): TOPMed 0.00011; gnomAD 0.00014; ESP Exome Variant Server 0.00015.
gnomAD v4.1: 191 of 1,613,752 alleles (0.012%); highest among the groups gnomAD compares: Middle Eastern, 0.017%; no homozygotes.

Submissions (4):

PreventionGenetics, part of Exact Sciences
Classification: Uncertain significance for FLCN-related condition. Last evaluated: 2025-11-17. Review status: criteria provided, single submitter. Criteria: ACMG Guidelines, 2015. Collection method: clinical testing. Allele origin: germline.
Comment: The FLCN c.893C>T variant is predicted to result in the amino acid substitution p.Pro298Leu. On an alternate transcript (NM_144997) this variant is referred to as c.871+22C>T (Intronic). To our knowledge, this variant has not been reported in the literature. This variant is reported in 0.018% of alleles in individuals of European (Non-Finnish) descent in gnomAD and has conflicting interpretations in ClinVar ranging from likely benign to uncertain (Variation ID: 1802912). At this time, the clinical significance of this variant is uncertain due to the absence of conclusive functional and genetic evidence.

Center for Genomic Medicine, Rigshospitalet, Copenhagen University Hospital
Classification: Likely benign. Last evaluated: 2025-03-04. Review status: criteria provided, single submitter. Criteria: ACMG Guidelines, 2015. Collection method: clinical testing. Allele origin: germline.

Blueprint Genetics
Classification: Likely benign. Last evaluated: 2024-11-22. Review status: criteria provided, single submitter. Criteria: ACMG Guidelines, 2015. Collection method: clinical testing. Allele origin: germline.

ARUP Laboratories, Molecular Genetics and Genomics, ARUP Laboratories
Classification: Uncertain significance. Last evaluated: 2022-09-14. Review status: criteria provided, single submitter. Criteria: ARUP Molecular Germline Variant Investigation Process 2021. Collection method: clinical testing. Allele origin: germline.
Comment: The FLCN c.893C>T; p.Pro298Leu variant, to our knowledge, is not reported in the medical literature or gene specific databases. This variant is found in the general population with an overall allele frequency of 0.01% (31/282250 alleles) in the Genome Aggregation Database. The proline at codon 298 is weakly conserved, and computational analyses predict that this variant is neutral (REVEL: 0.14). Due to limited information, the clinical significance of this variant is uncertain at this time.

NM_144997.7(FLCN):c.871+22C>T

Gene: FLCN (folliculin; minus strand). Cytogenetic location: 17p11.2.
Variant type: single nucleotide variant.
Coding change: c.871+22C>T on transcript NM_144997.7 (MANE Select); 22 bases into the intron after coding-DNA position 871, C replaced by T.
Molecular consequence: intron variant. On other transcripts: missense variant (1).
Genome position (GRCh38, 1-based): chr17:17,221,515, G>A on the plus strand (C>T on the coding strand, the complement: FLCN is on the minus strand). VCF-style: chr17-17221515-G-A. GRCh37 (hg19) VCF-style: chr17-17124829-G-A.
Other names: c.893C>T (NM_144606.5); c.893C>T, p.Pro298Leu (NM_144606.7); c.871+22C>T (NM_001353231.2, NM_001353230.2); c.925+22C>T (NM_001353229.2); short protein forms P298L.
Identifiers: ClinVar variation 1802912 (VCV001802912.11), dbSNP rs141303532, ClinGen allele CA8416264.